The following is an entry in ClinVar:

ClinVar aggregate classification (germline): Uncertain significance (1 of 4 stars; one submission).

Submission:

GeneDx
Classification: Uncertain significance. Last evaluated: 2023-05-01. Review status: criteria provided, single submitter. Criteria: GeneDx Variant Classification Process June 2021. Collection method: clinical testing. Allele origin: germline. Affected: yes.
Comment: Not observed at significant frequency in large population cohorts (gnomAD); In silico analysis supports that this missense variant has a deleterious effect on protein structure/function; Has not been previously published as pathogenic or benign to our knowledge

NM_004817.4(TJP2):c.2395G>A (p.Asp799Asn)

Gene: TJP2 (tight junction protein 2; plus strand). Cytogenetic location: 9q21.11.
Variant type: single nucleotide variant.
Coding change: c.2395G>A on transcript NM_004817.4 (MANE Select); coding-DNA position 2395, G replaced by A.
Protein change: p.Asp799Asn; replaces aspartic acid 799 with asparagine.
Molecular consequence: missense variant.
Genome position (GRCh38, 1-based): chr9:69,239,976, G>A. VCF-style: chr9-69239976-G-A. GRCh37 (hg19) VCF-style: chr9-71854892-G-A.
Other names: c.2326G>A, p.Asp776Asn (NM_001170414.2, NM_001369871.1); c.2407G>A, p.Asp803Asn (NM_001170415.1, NM_001369874.1, NM_001369875.1); c.2488G>A, p.Asp830Asn (NM_001170416.2); c.2320G>A, p.Asp774Asn (NM_001369870.1); c.2395G>A, p.Asp799Asn (NM_001369872.1, NM_001369873.1, NM_201629.3); short protein forms D774N, D776N, D799N, D803N, D830N.
Identifiers: ClinVar variation 2663415 (VCV002663415.1), dbSNP rs1284456411, ClinGen allele CA373534003.